The following is an entry in ClinVar:

NM_025144.4(ALPK1):c.1072G>A (p.Ala358Thr)

Gene: ALPK1 (alpha kinase 1; plus strand). Cytogenetic location: 4q25.
Variant type: single nucleotide variant.
Coding change: c.1072G>A on transcript NM_025144.4 (MANE Select); coding-DNA position 1072, G replaced by A.
Protein change: p.Ala358Thr; replaces alanine 358 with threonine.
Molecular consequence: missense variant.
Genome position (GRCh38, 1-based): chr4:112,430,619, G>A. VCF-style: chr4-112430619-G-A. GRCh37 (hg19) VCF-style: chr4-113351775-G-A.
Other names: c.1072G>A, p.Ala358Thr (NM_001102406.2); c.838G>A, p.Ala280Thr (NM_001253884.2); short protein forms A280T, A358T.
Identifiers: ClinVar variation 4765393 (VCV004765393.1).
Genomic context (GRCh38, chr4:112,430,619, plus strand): 5'-ACCAAGAGAGATGATGAGCCTGTTACTGGAAAACAGGAGCTTCACAGCTTTGTCAAAGCT[G>A]CTTTCGGTCTCACCACAGTGCACAGAAGGCTCCATGGGGAGACAGGGACGGTCCATGCAG-3'
Protein context (NP_079420.3, residues 348-368): KQELHSFVKA[Ala358Thr]FGLTTVHRRL

ClinVar aggregate classification (germline): Uncertain significance (1 of 4 stars; one submission).

gnomAD v4.1: 9 of 1,614,008 alleles (0.00056%); highest among the groups gnomAD compares: African/African-American, 0.0013%; no homozygotes.

Submission:

Labcorp Genetics (formerly Invitae), Labcorp
Classification: Uncertain significance. Last evaluated: 2025-04-26. Review status: criteria provided, single submitter. Criteria: Invitae Variant Classification Sherloc (09022015). Collection method: clinical testing. Allele origin: germline.
Comment: This sequence change replaces alanine, which is neutral and non-polar, with threonine, which is neutral and polar, at codon 358 of the ALPK1 protein (p.Ala358Thr). This variant is not present in population databases (gnomAD no frequency). This variant has not been reported in the literature in individuals affected with ALPK1-related conditions. Invitae Evidence Modeling of protein sequence and biophysical properties (such as structural, functional, and spatial information, amino acid conservation, physicochemical variation, residue mobility, and thermodynamic stability) indicates that this missense variant is expected to disrupt ALPK1 protein function with a positive predictive value of 80%. In summary, the available evidence is currently insufficient to determine the role of this variant in disease. Therefore, it has been classified as a Variant of Uncertain Significance.